The following is an entry in ClinVar:

NM_006308.3(HSPB3):c.346C>T (p.Arg116Ter)

Gene: HSPB3 (heat shock protein family B (small) member 3; plus strand). Cytogenetic location: 5q11.2.
Variant type: single nucleotide variant.
Coding change: c.346C>T on transcript NM_006308.3 (MANE Select); coding-DNA position 346, C replaced by T.
Protein change: p.Arg116Ter; replaces arginine 116 with a stop codon.
Molecular consequence: nonsense.
Genome position (GRCh38, 1-based): chr5:54,456,135, C>T. VCF-style: chr5-54456135-C-T. GRCh37 (hg19) VCF-style: chr5-53751965-C-T.
Other names: short protein forms R116*.
Identifiers: ClinVar variation 846157 (VCV000846157.10), dbSNP rs757339596, ClinGen allele CA3264673.
Genomic context (GRCh38, chr5:54,456,135, plus strand): 5'-ATAAAAGCACAACACGGAACCAGAATGGATGAGCACGGTTTTATCTCAAGAAGCTTCACC[C>T]GACAGTACAAACTACCAGATGGTGTGGAAATCAAAGATTTGTCTGCAGTCCTCTGTCATG-3'

ClinVar aggregate classification (germline): Uncertain significance (1 of 4 stars; one submission).

Conditions:
Neuronopathy, distal hereditary motor, type 2C. Also called: HMN IIC; NEUROPATHY, DISTAL HEREDITARY MOTOR, AUTOSOMAL DOMINANT 4; NEURONOPATHY, DISTAL HEREDITARY MOTOR, HARDING TYPE IIC; NEUROPATHY, DISTAL HEREDITARY MOTOR, HARDING TYPE IIC. Identifiers: Orphanet 139525, MedGen C3150619, MONDO:0013243, OMIM 613376.

Allele frequency attached by ClinVar (database versions not stated): TOPMed 0.00002; ExAC 0.00003; gnomAD 0.00003 and 0.00004.

Submission:

Labcorp Genetics (formerly Invitae), Labcorp
Classification: Uncertain significance for Neuronopathy, distal hereditary motor, type 2C. Last evaluated: 2025-03-12. Review status: criteria provided, single submitter. Criteria: Invitae Variant Classification Sherloc (09022015). Collection method: clinical testing. Allele origin: germline.
Comment: This sequence change creates a premature translational stop signal (p.Arg116*) in the HSPB3 gene. While this is not anticipated to result in nonsense mediated decay, it is expected to disrupt the last 35 amino acid(s) of the HSPB3 protein. This variant is present in population databases (rs757339596, gnomAD 0.01%). This premature translational stop signal has been observed in individual(s) with amyotrophic lateral sclerosis (PMID: 32397312). ClinVar contains an entry for this variant (Variation ID: 846157). Experimental studies and prediction algorithms are not available or were not evaluated, and the functional significance of this variant is currently unknown. In summary, the available evidence is currently insufficient to determine the role of this variant in disease. Therefore, it has been classified as a Variant of Uncertain Significance.

Literature cited by the submitters: PubMed 32397312.